The following is an entry in ClinVar:

NM_000179.3(MSH6):c.2787C>T (p.Pro929=)

Gene: MSH6 (mutS homolog 6; plus strand). Cytogenetic location: 2p16.3.
Variant type: single nucleotide variant.
Coding change: c.2787C>T on transcript NM_000179.3 (MANE Select); coding-DNA position 2787, C replaced by T.
Protein change: p.Pro929=; no amino-acid change (proline 929 retained).
Molecular consequence: synonymous variant.
Genome position (GRCh38, 1-based): chr2:47,800,770, C>T. VCF-style: chr2-47800770-C-T. GRCh37 (hg19) VCF-style: chr2-48027909-C-T.
Other names: c.2397C>T, p.Pro799= (NM_001281492.2); c.1881C>T, p.Pro627= (NM_001281493.2, NM_001281494.2).
Identifiers: ClinVar variation 821811 (VCV000821811.14), dbSNP rs768005323, ClinGen allele CA426121700.

ClinVar aggregate classification (germline): Benign/Likely benign. Review status: criteria provided, multiple submitters, no conflicts (2 of 4 stars). 3 submissions from 3 submitters: Benign (1); Likely benign (2). Last evaluated 2025-03-11.

Conditions:
Hereditary nonpolyposis colorectal neoplasms. Identifiers: MedGen C0009405, MeSH D003123.
Lynch syndrome 5 (LYNCH5). Also called: Colorectal cancer, hereditary nonpolyposis, type 5; Hereditary non-polyposis colorectal cancer, type 5. Identifiers: Orphanet 144, MedGen C1833477, MONDO:0013710, OMIM 614350. Disease mechanism: loss of function.
Hereditary cancer-predisposing syndrome. Also called: Tumor predisposition; Hereditary Cancer Syndrome; Neoplastic Syndromes, Hereditary; Hereditary neoplastic syndrome. Identifiers: Orphanet 140162, MedGen C0027672, MeSH D009386, MONDO:0015356.

gnomAD v4.1: 1 of 1,614,118 alleles (0.000062%); highest among the groups gnomAD compares: South Asian, 0.0011%; no homozygotes.

Submissions (3):

Labcorp Genetics (formerly Invitae), Labcorp
Classification: Likely benign for Hereditary nonpolyposis colorectal neoplasms. Last evaluated: 2025-03-11. Review status: criteria provided, single submitter. Criteria: Invitae Variant Classification Sherloc (09022015). Collection method: clinical testing. Allele origin: germline.

Myriad Genetics, Inc.
Classification: Benign for Lynch syndrome 5. Last evaluated: 2025-01-03. Review status: criteria provided, single submitter. Criteria: Myriad Autosomal Dominant, Autosomal Recessive and X-Linked Classification Criteria (2023). Collection method: clinical testing. Allele origin: unknown.
Comment: This variant is considered benign. This variant is a silent/synonymous amino acid change and it is not expected to impact splicing.

Ambry Genetics
Classification: Likely benign for Hereditary cancer-predisposing syndrome. Last evaluated: 2019-07-11. Review status: criteria provided, single submitter. Criteria: Ambry Variant Classification Scheme 2023. Collection method: clinical testing. Allele origin: germline.